The following is an entry in ClinVar:

ClinVar aggregate classification (germline): Uncertain significance (1 of 4 stars; one submission).

Allele frequency attached by ClinVar (database versions not stated): gnomAD exomes below 0.00001.
gnomAD v4.1: 6 of 1,601,150 alleles (0.00037%); highest among the groups gnomAD compares: Non-Finnish European, 0.00051%; no homozygotes.

Submission:

Labcorp Genetics (formerly Invitae), Labcorp
Classification: Uncertain significance. Last evaluated: 2024-12-19. Review status: criteria provided, single submitter. Criteria: Invitae Variant Classification Sherloc (09022015). Collection method: clinical testing. Allele origin: germline.
Comment: This sequence change replaces valine, which is neutral and non-polar, with leucine, which is neutral and non-polar, at codon 39 of the CCT2 protein (p.Val39Leu). This variant is not present in population databases (gnomAD no frequency). This variant has not been reported in the literature in individuals affected with CCT2-related conditions. ClinVar contains an entry for this variant (Variation ID: 1352311). An algorithm developed to predict the effect of missense changes on protein structure and function (PolyPhen-2) suggests that this variant is likely to be tolerated. In summary, the available evidence is currently insufficient to determine the role of this variant in disease. Therefore, it has been classified as a Variant of Uncertain Significance.

NM_006431.3(CCT2):c.115G>C (p.Val39Leu)

Gene: CCT2 (chaperonin containing TCP1 subunit 2; plus strand). Cytogenetic location: 12q15.
Variant type: single nucleotide variant.
Coding change: c.115G>C on transcript NM_006431.3 (MANE Select); coding-DNA position 115, G replaced by C.
Protein change: p.Val39Leu; replaces valine 39 with leucine.
Molecular consequence: missense variant. On other transcripts: 5 prime UTR variant (1).
Genome position (GRCh38, 1-based): chr12:69,586,789, G>C. VCF-style: chr12-69586789-G-C. GRCh37 (hg19) VCF-style: chr12-69980569-G-C.
Other names: c.-27G>C (NM_001198842.2); short protein forms V39L.
Identifiers: ClinVar variation 1352311 (VCV001352311.6), dbSNP rs1881677494, ClinGen allele CA385723020.